The following is an entry in ClinVar:

NM_002432.3(MNDA):c.770A>G (p.Lys257Arg)

Gene: MNDA (myeloid cell nuclear differentiation antigen; plus strand). Cytogenetic location: 1q23.1.
Variant type: single nucleotide variant.
Coding change: c.770A>G on transcript NM_002432.3 (MANE Select); coding-DNA position 770, A replaced by G.
Protein change: p.Lys257Arg; replaces lysine 257 with arginine.
Molecular consequence: missense variant.
Genome position (GRCh38, 1-based): chr1:158,845,786, A>G. VCF-style: chr1-158845786-A-G. GRCh37 (hg19) VCF-style: chr1-158815576-A-G.
Other names: short protein forms K257R.
Identifiers: ClinVar variation 2448176 (VCV002448176.2), dbSNP rs2526087780, ClinGen allele CA343041594.
Genomic context (GRCh38, chr1:158,845,786, plus strand): 5'-ATGCTACAGTGGCCAGTAAGACTCAATATTTCCATGTGAAAGTCTTCGACATCAACTTGA[A>G]AGAGAAATTTGTAAGGAAGAAGGTCATTACCATATCTGATTACTCTGAATGTAAAGGAGT-3'
Protein context (NP_002423.1, residues 247-267): FHVKVFDINL[Lys257Arg]EKFVRKKVIT

ClinVar aggregate classification (germline): Uncertain significance (1 of 4 stars; one submission).

Submission:

Ambry Genetics
Classification: Uncertain significance. Last evaluated: 2023-02-23. Review status: criteria provided, single submitter. Criteria: Ambry Variant Classification Scheme 2023. Collection method: clinical testing. Allele origin: germline.
Comment: The p.K257R variant (also known as c.770A>G), located in coding exon 4 of the MNDA gene, results from an A to G substitution at nucleotide position 770. The lysine at codon 257 is replaced by arginine, an amino acid with highly similar properties. This amino acid position is conserved. In addition, this alteration is predicted to be tolerated by in silico analysis. Since supporting evidence is limited at this time, the clinical significance of this alteration remains unclear.